The following is an entry in ClinVar:

NM_000059.4(BRCA2):c.306dup (p.Leu103fs)

Gene: BRCA2 (BRCA2 DNA repair associated; plus strand). Cytogenetic location: 13q13.1.
Variant type: Duplication.
Coding change: c.306dup on transcript NM_000059.4 (MANE Select); coding-DNA position 306, one base duplicated (A; older notation c.306dupA).
Protein change: p.Leu103fs; shifts the reading frame from leucine 103.
Molecular consequence: frameshift variant.
Genome position (GRCh38, 1-based): chr13:32,319,315, A duplicated; the last of 3 consecutive A bases (chr13:32,319,313-32,319,315); duplicating any one gives the same sequence. VCF-style (leftmost placement, unchanged base first): chr13-32319312-C-CA. GRCh37 (hg19) VCF-style: chr13-32893449-C-CA.
Other names: 534insA; c.306dupA (NM_000059.3); short protein forms L103fs.
Identifiers: ClinVar variation 51392 (VCV000051392.7), dbSNP rs397507654, ClinGen allele CA017123.

ClinVar aggregate classification (germline): Pathogenic. Review status: reviewed by expert panel (3 of 4 stars). 2 submissions from 2 submitters: Pathogenic (1). 1 of the submissions does not count toward it. Last evaluated 2016-10-18.

Conditions:
Breast-ovarian cancer, familial, susceptibility to, 2 (BROVCA2). Also called: BRCA2 Hereditary Breast and Ovarian Cancer. Identifiers: Orphanet 145, MedGen C2675520, MONDO:0012933, OMIM 612555. Disease mechanism: loss of function.

Allele frequency attached by ClinVar (database versions not stated): gnomAD exomes below 0.00001.

Submissions (2):

Evidence-based Network for the Interpretation of Germline Mutant Alleles (ENIGMA)
Classification: Pathogenic for Breast-ovarian cancer, familial, susceptibility to, 2. Last evaluated: 2016-10-18. Review status: reviewed by expert panel. Criteria: ENIGMA BRCA1/2 Classification Criteria (2015). Collection method: curation. Allele origin: germline.
Comment: Variant allele predicted to encode a truncated non-functional protein.

Consortium of Investigators of Modifiers of BRCA1/2 (CIMBA), c/o University of Cambridge
Classification: Pathogenic for Breast-ovarian cancer, familial, susceptibility to, 2. Last evaluated: 2015-10-02. Review status: criteria provided, single submitter. Criteria: CIMBA Mutation Classification guidelines May 2016. Collection method: clinical testing. Allele origin: germline. Not counted in ClinVar's aggregate classification.